The following is an entry in ClinVar:

NM_001080517.3(SETD5):c.675C>A (p.Tyr225Ter)

Gene: SETD5 (SET domain containing 5; plus strand). Cytogenetic location: 3p25.3.
Variant type: single nucleotide variant.
Coding change: c.675C>A on transcript NM_001080517.3 (MANE Select); coding-DNA position 675, C replaced by A.
Protein change: p.Tyr225Ter; replaces tyrosine 225 with a stop codon.
Molecular consequence: nonsense.
Genome position (GRCh38, 1-based): chr3:9,440,563, C>A. VCF-style: chr3-9440563-C-A. GRCh37 (hg19) VCF-style: chr3-9482247-C-A.
Other names: c.381C>A, p.Tyr127Ter (NM_001292043.2, NM_001349451.2); c.771C>A, p.Tyr257Ter (NM_001437633.1); c.732C>A, p.Tyr244Ter (NM_001437635.1); c.675C>A, p.Tyr225Ter (NM_001437643.1); c.714C>A, p.Tyr238Ter (NM_001437701.1); short protein forms Y244*, Y127*, Y225*, Y238*, Y257*.
Identifiers: ClinVar variation 5029427 (VCV005029427.1).
Genomic context (GRCh38, chr3:9,440,563, plus strand): 5'-CTGGGAAAATCGGATAAGACTATGGACTGACCAGTATGAAGAAGCTTTCACTAATCAGTA[C>A]AGTGCAGATGTACAGAACGCGCTTGAACAACACCTACATTCTAGCAAGGAATTTGTGGGC-3'

ClinVar aggregate classification (germline): Pathogenic (1 of 4 stars; one submission).

Conditions:
Inborn genetic diseases. Identifiers: MedGen C0950123, MeSH D030342.

Submission:

Ambry Genetics
Classification: Pathogenic for Inborn genetic diseases. Last evaluated: 2026-09-14. Review status: criteria provided, single submitter. Criteria: Ambry Variant Classification Scheme 2023. Collection method: clinical testing. Allele origin: germline.
Comment: The c.675C>A (p.Y225*) alteration, located in exon 8 (coding exon 6) of the SETD5 gene, consists of a C to A substitution at nucleotide position 675. This changes the amino acid from a tyrosine (Y) to a stop codon at amino acid position 225. This variant is expected to result in loss of function by premature protein truncation or nonsense-mediated mRNA decay. This variant was not reported in population-based cohorts in the Genome Aggregation Database (gnomAD). This variant was reported in individual(s) with features consistent with SETD5-related neurodevelopmental disorder; in at least one individual, it was determined to be de novo (Lelieveld, 2016; Wu, 2022). Based on the available evidence, this alteration is classified as pathogenic.

Literature cited by the submitters: PubMed 27479843; PubMed 39817275.